The following is an entry in ClinVar:

NM_004586.3(RPS6KA3):c.1026G>A (p.Pro342=)

Gene: RPS6KA3 (ribosomal protein S6 kinase A3; minus strand). Cytogenetic location: Xp22.12.
Variant type: single nucleotide variant.
Coding change: c.1026G>A on transcript NM_004586.3 (MANE Select); coding-DNA position 1026, G replaced by A.
Protein change: p.Pro342=; no amino-acid change (proline 342 retained).
Molecular consequence: synonymous variant.
Genome position (GRCh38, 1-based): chrX:20,176,326, C>T on the plus strand (G>A on the coding strand, the complement: RPS6KA3 is on the minus strand). VCF-style: chrX-20176326-C-T. GRCh37 (hg19) VCF-style: chrX-20194444-C-T.
Other names: c.1026G>A (NM_004586.2).
Identifiers: ClinVar variation 2930779 (VCV002930779.4), dbSNP rs771686066, ClinGen allele CA10366177.

ClinVar aggregate classification (germline): Benign. Review status: criteria provided, single submitter (1 of 4 stars). 2 submissions from 2 submitters: Benign (1). 1 of the submissions does not count toward it. Last evaluated 2023-03-25.

Conditions:
Intellectual developmental disorder, X-linked 19. Also called: Intellectual disability, X-linked 19. Identifiers: Orphanet 777, MedGen C0796225, MONDO:0010447, OMIM 300844.
Coffin-Lowry syndrome (CLS). Also called: COFFIN-LOWRY SYNDROME, MILD; Mental retardation with osteocartilaginous abnormalities. Identifiers: Orphanet 192, MedGen C0265252, MONDO:0010561, OMIM 303600.
RPS6KA3-related disorder. Also called: RPS6KA3-related condition.

Allele frequency attached by ClinVar (database versions not stated): gnomAD 0.00001; TOPMed 0.00001; ExAC 0.00003.
gnomAD v4.1: 17 of 1,189,415 alleles (0.0014%); highest among the groups gnomAD compares: Admixed American, 0.0044%; no homozygotes.

Submissions (2):

Labcorp Genetics (formerly Invitae), Labcorp
Classification: Benign for Coffin-Lowry syndrome; Intellectual developmental disorder, X-linked 19. Last evaluated: 2023-03-25. Review status: criteria provided, single submitter. Criteria: Invitae Variant Classification Sherloc (09022015). Collection method: clinical testing. Allele origin: germline.

PreventionGenetics, part of Exact Sciences
Classification: Likely benign for RPS6KA3-related condition. Last evaluated: 2022-11-23. Review status: no assertion criteria provided. Collection method: clinical testing. Allele origin: germline. Not counted in ClinVar's aggregate classification.
Comment: This variant is classified as likely benign based on ACMG/AMP sequence variant interpretation guidelines (Richards et al. 2015 PMID: 25741868, with internal and published modifications).